The following is an entry in ClinVar:

NM_001077365.2(POMT1):c.1925A>G (p.Tyr642Cys)

Gene: POMT1 (protein O-mannosyltransferase 1; plus strand). Cytogenetic location: 9q34.13.
Variant type: single nucleotide variant.
Coding change: c.1925A>G on transcript NM_001077365.2 (MANE Select); coding-DNA position 1925, A replaced by G.
Protein change: p.Tyr642Cys; replaces tyrosine 642 with cysteine.
Molecular consequence: missense variant. On other transcripts: non-coding transcript variant (10).
Genome position (GRCh38, 1-based): chr9:131,522,146, A>G. VCF-style: chr9-131522146-A-G. GRCh37 (hg19) VCF-style: chr9-134397533-A-G.
Other names: c.1763A>G, p.Tyr588Cys (NM_001077366.2, NM_001353194.2); c.1925A>G, p.Tyr642Cys (NM_001136113.2); c.1574A>G, p.Tyr525Cys (NM_001136114.2, NM_001353195.2, NM_001374691.1 and 2 more transcripts); c.1991A>G, p.Tyr664Cys (NM_001353193.2, NM_007171.4); c.1835A>G, p.Tyr612Cys (NM_001353196.2); c.1829A>G, p.Tyr610Cys (NM_001353197.2, NM_001353198.2); c.1640A>G, p.Tyr547Cys (NM_001353199.2); c.1469A>G, p.Tyr490Cys (NM_001353200.2); and 3 more; short protein forms Y490C, Y512C, Y525C, Y547C, Y569C, Y588C, Y610C, Y612C.
Identifiers: ClinVar variation 1696906 (VCV001696906.2), dbSNP rs2131922603, ClinGen allele CA375314480.

ClinVar aggregate classification (germline): Likely pathogenic (1 of 4 stars; one submission).

Allele frequency attached by ClinVar (database versions not stated): gnomAD exomes below 0.00001.
gnomAD v4.1: 1 of 1,614,134 alleles (0.000062%); highest among the groups gnomAD compares: East Asian, 0.0022%; no homozygotes.

Submission:

GeneDx
Classification: Likely pathogenic. Last evaluated: 2022-07-11. Review status: criteria provided, single submitter. Criteria: GeneDx Variant Classification Process June 2021. Collection method: clinical testing. Allele origin: germline. Affected: yes.
Comment: Not observed at significant frequency in large population cohorts (gnomAD); In silico analysis supports that this missense variant has a deleterious effect on protein structure/function; Has not been previously published as pathogenic or benign to our knowledge; This variant is associated with the following publications: (PMID: 22549409)